The following is an entry in ClinVar:

NM_000541.5(SAG):c.213T>C (p.Tyr71=)

Gene: SAG (S-antigen visual arrestin; plus strand). Cytogenetic location: 2q37.1.
Variant type: single nucleotide variant.
Coding change: c.213T>C on transcript NM_000541.5 (MANE Select); coding-DNA position 213, T replaced by C.
Protein change: p.Tyr71=; no amino-acid change (tyrosine 71 retained).
Molecular consequence: synonymous variant.
Genome position (GRCh38, 1-based): chr2:233,320,661, T>C. VCF-style: chr2-233320661-T-C. GRCh37 (hg19) VCF-style: chr2-234229307-T-C.
Identifiers: ClinVar variation 3347668 (VCV003347668.1).
Genomic context (GRCh38, chr2:233,320,661, plus strand): 5'-GTCCGACCCTGCCTTCATCTCCCTTGCAGTGTATGTCACTCTGACCTGCGCCTTCCGCTA[T>C]GGCCAAGAGGACATTGACGTGATCGGCTTGACCTTCCGCAGGGACCTGTACTTCTCCCGG-3'
Protein context (NP_000532.2, residues 61-81): VYVTLTCAFR[Tyr71=]GQEDIDVIGL

ClinVar aggregate classification (germline): Likely benign (0 of 4 stars; one submission).

Conditions:
SAG-related disorder. Also called: SAG-related condition; SAG-related disorders.

Submission:

PreventionGenetics, part of Exact Sciences
Classification: Likely benign for SAG-related condition. Last evaluated: 2024-06-26. Review status: no assertion criteria provided. Collection method: clinical testing. Allele origin: germline.
Comment: This variant is classified as likely benign based on ACMG/AMP sequence variant interpretation guidelines (Richards et al. 2015 PMID: 25741868, with internal and published modifications).